The following is an entry in ClinVar:

ClinVar aggregate classification (germline): Conflicting classifications of pathogenicity. Review status: criteria provided, conflicting classifications (1 of 4 stars). 3 submissions from 3 submitters: Uncertain significance (2); Likely benign (1). Last evaluated 2023-07-12.

Conditions:
Sorsby fundus dystrophy (SFD). Also called: FUNDUS DYSTROPHY, PSEUDOINFLAMMATORY, OF SORSBY; MACULAR DYSTROPHY, HEMORRHAGIC; Sorsby fundus dystrophy, Lavia type. Identifiers: Orphanet 59181, MedGen C1850938, MONDO:0007640, OMIM 136900.

Submissions (3):

Labcorp Genetics (formerly Invitae), Labcorp
Classification: Uncertain significance. Last evaluated: 2023-07-12. Review status: criteria provided, single submitter. Criteria: Invitae Variant Classification Sherloc (09022015). Collection method: clinical testing. Allele origin: germline.
Comment: The frequency data for this variant in the population databases is considered unreliable, as metrics indicate poor data quality at this position in the gnomAD database. This variant has not been reported in the literature in individuals affected with TIMP3-related conditions. This sequence change creates a premature translational stop signal (p.Asp202Glyfs*2) in the TIMP3 gene. While this is not anticipated to result in nonsense mediated decay, it is expected to disrupt the last 10 amino acid(s) of the TIMP3 protein. ClinVar contains an entry for this variant (Variation ID: 1933247). Experimental studies and prediction algorithms are not available or were not evaluated, and the functional significance of this variant is currently unknown. In summary, the available evidence is currently insufficient to determine the role of this variant in disease. Therefore, it has been classified as a Variant of Uncertain Significance.

Blueprint Genetics
Classification: Uncertain significance. Last evaluated: 2021-12-01. Review status: criteria provided, single submitter. Criteria: ACMG Guidelines, 2015. Collection method: clinical testing. Allele origin: germline.

Dr.Nikuei Genetic Center
Classification: Likely benign for Sorsby fundus dystrophy. Review status: criteria provided, single submitter. Criteria: ACMG Guidelines, 2015. Collection method: clinical testing. Allele origin: germline. Inheritance: Autosomal dominant inheritance. Affected: no. Observed: 1 heterozygote.

NM_000362.5(TIMP3):c.602dup (p.Asp202fs)

Genes: SYN3 (synapsin III; minus strand), TIMP3 (TIMP metallopeptidase inhibitor 3; plus strand). Cytogenetic location: 22q12.3.
Variant type: Duplication.
Coding change: c.602dup on transcript NM_000362.5 (MANE Select); coding-DNA position 602, one base duplicated (C; older notation c.602dupC).
Protein change: p.Asp202fs; shifts the reading frame from aspartic acid 202.
Molecular consequence: frameshift variant. On other transcripts: intron variant (7).
Genome position (GRCh38, 1-based): chr22:32,859,343, C duplicated; the last of 7 consecutive C bases (chr22:32,859,337-32,859,343); duplicating any one gives the same sequence. VCF-style (leftmost placement, unchanged base first): chr22-32859336-G-GC. GRCh37 (hg19) VCF-style: chr22-33255323-G-GC.
Other names: c.708+5578dup (NM_001369909.1, NM_001135774.2, NM_001369910.1); c.711+5578dup (NM_001369907.1, NM_003490.4, NM_001369908.1 and 1 more transcripts); short protein forms D202fs.
Identifiers: ClinVar variation 1933247 (VCV001933247.8), dbSNP rs749890843, ClinGen allele CA10202290.